The following is an entry in ClinVar:

ClinVar aggregate classification (germline): Likely pathogenic (1 of 4 stars; one submission).

Conditions:
Okur-Chung neurodevelopmental syndrome (OCNDS). Identifiers: Orphanet 689422, MedGen C4310739, MONDO:0014893, OMIM 617062.

Submission:

Medical Genetics Laboratory, Etlik City Hospital
Classification: Likely pathogenic for Okur-Chung neurodevelopmental syndrome. Review status: criteria provided, single submitter. Criteria: ACMG Guidelines, 2015. Collection method: clinical testing. Allele origin: de novo. Inheritance: Autosomal dominant inheritance. Affected: yes. Observed: 1 variant allele, 1 heterozygote.
Comment: PM6, PM1, PM2, PP3

NM_177559.3(CSNK2A1):c.530G>C (p.Gly177Ala)

Gene: CSNK2A1 (casein kinase 2 alpha 1; minus strand). Cytogenetic location: 20p13.
Variant type: single nucleotide variant.
Coding change: c.530G>C on transcript NM_177559.3 (MANE Select); coding-DNA position 530, G replaced by C.
Protein change: p.Gly177Ala; replaces glycine 177 with alanine.
Molecular consequence: missense variant.
Genome position (GRCh38, 1-based): chr20:492,345, C>G on the plus strand (G>C on the coding strand, the complement: CSNK2A1 is on the minus strand). VCF-style: chr20-492345-C-G. GRCh37 (hg19) VCF-style: chr20-472989-C-G.
Other names: c.530G>C, p.Gly177Ala (NM_001362770.2, NM_001362771.2, NM_001895.4); c.122G>C, p.Gly41Ala (NM_177560.3); short protein forms G177A, G41A.
Identifiers: ClinVar variation 4849517 (VCV004849517.1).